The following is an entry in ClinVar:

NM_006767.4(LZTR1):c.1972T>G (p.Tyr658Asp)

Gene: LZTR1 (leucine zipper like post translational regulator 1; plus strand). Cytogenetic location: 22q11.21.
Variant type: single nucleotide variant.
Coding change: c.1972T>G on transcript NM_006767.4 (MANE Select); coding-DNA position 1972, T replaced by G.
Protein change: p.Tyr658Asp; replaces tyrosine 658 with aspartic acid.
Molecular consequence: missense variant.
Genome position (GRCh38, 1-based): chr22:20,995,775, T>G. VCF-style: chr22-20995775-T-G. GRCh37 (hg19) VCF-style: chr22-21350064-T-G.
Other names: short protein forms Y658D.
Identifiers: ClinVar variation 1718917 (VCV001718917.9), dbSNP rs1485171907, ClinGen allele CA410778984.
Genomic context (GRCh38, chr22:20,995,775, plus strand): 5'-TGTACCTGCTCAGGGACCCTCCTACCCCCAGGCACATCTCTGATCCAGGACATGAAGGCA[T>G]ACCTGGAGGGAGCGGGCGCGGAATTCTGTGACATCACTCTGTTGCTTGACGGGCACCCAC-3'
Protein context (NP_006758.2, residues 648-668): GTSLIQDMKA[Tyr658Asp]LEGAGAEFCD

ClinVar aggregate classification (germline): Uncertain significance. Review status: criteria provided, multiple submitters, no conflicts (2 of 4 stars). 2 submissions from 2 submitters: Uncertain significance (2). Last evaluated 2025-11-18.

Conditions:
Hereditary cancer-predisposing syndrome. Also called: Hereditary neoplastic syndrome; Neoplastic Syndromes, Hereditary; Hereditary Cancer Syndrome; Tumor predisposition. Identifiers: Orphanet 140162, MedGen C0027672, MeSH D009386, MONDO:0015356.
Cardiovascular phenotype. Identifiers: MedGen CN230736.

Allele frequency attached by ClinVar (database versions not stated): gnomAD exomes below 0.00001.
gnomAD v4.1: 4 of 1,613,592 alleles (0.00025%); highest among the groups gnomAD compares: Non-Finnish European, 0.00034%; no homozygotes.

Submissions (2):

Ambry Genetics
Classification: Uncertain significance for Cardiovascular phenotype; Hereditary cancer-predisposing syndrome. Last evaluated: 2025-11-18. Review status: criteria provided, single submitter. Criteria: Ambry Variant Classification Scheme 2023. Collection method: clinical testing. Allele origin: germline.
Comment: The p.Y658D variant (also known as c.1972T>G), located in coding exon 17 of the LZTR1 gene, results from a T to G substitution at nucleotide position 1972. The tyrosine at codon 658 is replaced by aspartic acid, an amino acid with highly dissimilar properties. This amino acid position is highly conserved in available vertebrate species. In addition, the in silico prediction for this alteration is inconclusive. Since supporting evidence is limited at this time, the clinical significance of this alteration remains unclear.

Labcorp Genetics (formerly Invitae), Labcorp
Classification: Uncertain significance. Last evaluated: 2025-08-11. Review status: criteria provided, single submitter. Criteria: Invitae Variant Classification Sherloc (09022015). Collection method: clinical testing. Allele origin: germline.
Comment: This sequence change replaces tyrosine, which is neutral and polar, with aspartic acid, which is acidic and polar, at codon 658 of the LZTR1 protein (p.Tyr658Asp). This variant is present in population databases (no rsID available, gnomAD 0.0009%). This variant has not been reported in the literature in individuals affected with LZTR1-related conditions. ClinVar contains an entry for this variant (Variation ID: 1718917). Invitae Evidence Modeling of protein sequence and biophysical properties (such as structural, functional, and spatial information, amino acid conservation, physicochemical variation, residue mobility, and thermodynamic stability) indicates that this missense variant is not expected to disrupt LZTR1 protein function with a negative predictive value of 80%. In summary, the available evidence is currently insufficient to determine the role of this variant in disease. Therefore, it has been classified as a Variant of Uncertain Significance.